The following is an entry in ClinVar:

ClinVar aggregate classification (germline): Uncertain significance. Review status: criteria provided, multiple submitters, no conflicts (2 of 4 stars). 2 submissions from 2 submitters: Uncertain significance (2). Last evaluated 2025-05-04.

Conditions:
Inborn genetic diseases. Identifiers: MedGen C0950123, MeSH D030342.
Developmental and epileptic encephalopathy, 5 (DEE5). Identifiers: Orphanet 3451, MedGen C3150731, MONDO:0013277, OMIM 613477.

Allele frequency attached by ClinVar (database versions not stated): gnomAD exomes below 0.00001.
gnomAD v4.1: 2 of 1,614,200 alleles (0.00012%); highest among the groups gnomAD compares: Non-Finnish European, 0.00017%; no homozygotes.

Submissions (2):

Ambry Genetics
Classification: Uncertain significance for Inborn genetic diseases. Last evaluated: 2025-05-04. Review status: criteria provided, single submitter. Criteria: Ambry Variant Classification Scheme 2023. Collection method: clinical testing. Allele origin: germline.

Victorian Clinical Genetics Services, Murdoch Childrens Research Institute
Classification: Uncertain significance for Developmental and epileptic encephalopathy, 5. Last evaluated: 2022-02-02. Review status: criteria provided, single submitter. Criteria: ACMG Guidelines, 2015. Collection method: clinical testing. Allele origin: germline. Inheritance: Autosomal dominant inheritance. Affected: yes.
Comment: Based on the classification scheme VCGS_Germline_v1.3.4, this variant is classified as VUS-3B. Following criteria are met: 0103 - Dominant negative and loss of function are known mechanisms of disease in this gene and are associated with developmental and epileptic encephalopathy 5 (MIM#613477) and distal hereditary motor neuropathy (MONDO#0018894), respectively. (I) 0107 - This gene is associated with autosomal dominant disease. (I) 0115 - Variants in this gene are known to have variable expressivity. Intra-familial variability has been described in a single family (PMID: 32811770). (I) 0200 - Variant is predicted to result in a missense amino acid change from phenylalanine to leucine. (I) 0251 - This variant is heterozygous. (I) 0301 - Variant is absent from gnomAD (both v2 and v3). (SP) 0502 - Missense variant with conflicting in silico predictions and uninformative conservation. (I) 0600 - Variant is located in the annotated spectrin repeat (DECIPHER). (I) 0705 - No comparable missense variants have previous evidence for pathogenicity. (I) 0807 - This variant has no previous evidence of pathogenicity. (I) 0905 - No published segregation evidence has been identified for this variant. (I) 1007 - No published functional evidence has been identified for this variant. (I) 1208 - Inheritance information for this variant is not currently available in this individual. (I) Legend: (SP) - Supporting pathogenic, (I) - Information, (SB) - Supporting benign

Literature cited by the submitters: PubMed 32811770 (cited by Victorian Clinical Genetics Services, Murdoch Childrens Research Institute).

NM_001130438.3(SPTAN1):c.136T>C (p.Phe46Leu)

Gene: SPTAN1 (spectrin alpha, non-erythrocytic 1; plus strand). Cytogenetic location: 9q34.11.
Variant type: single nucleotide variant.
Coding change: c.136T>C on transcript NM_001130438.3 (MANE Select); coding-DNA position 136, T replaced by C.
Protein change: p.Phe46Leu; replaces phenylalanine 46 with leucine.
Molecular consequence: missense variant.
Genome position (GRCh38, 1-based): chr9:128,566,876, T>C. VCF-style: chr9-128566876-T-C. GRCh37 (hg19) VCF-style: chr9-131329155-T-C.
Other names: c.136T>C, p.Phe46Leu (NM_001195532.2, NM_001363759.2, NM_001363765.2 and 5 more transcripts); c.172T>C, p.Phe58Leu (NM_001375312.2, NM_001375318.1); short protein forms F46L, F58L.
Identifiers: ClinVar variation 1805232 (VCV001805232.2), dbSNP rs2540900223, ClinGen allele CA375049720.